The following is an entry in ClinVar:

NM_001393797.1(ABCC12):c.3345C>T (p.Pro1115=)

Gene: ABCC12 (ATP binding cassette subfamily C member 12; minus strand). Cytogenetic location: 16q12.1.
Variant type: single nucleotide variant.
Coding change: c.3345C>T on transcript NM_001393797.1 (MANE Select); coding-DNA position 3345, C replaced by T.
Protein change: p.Pro1115=; no amino-acid change (proline 1115 retained).
Molecular consequence: synonymous variant. On other transcripts: 5 prime UTR variant (2), non-coding transcript variant (8).
Genome position (GRCh38, 1-based): chr16:48,088,675, G>A on the plus strand (C>T on the coding strand, the complement: ABCC12 is on the minus strand). VCF-style: chr16-48088675-G-A. GRCh37 (hg19) VCF-style: chr16-48122586-G-A.
Other names: c.-34C>T (NM_001393798.1, NM_001393799.1); c.3345C>T, p.Pro1115= (NM_033226.3).
Identifiers: ClinVar variation 4992313 (VCV004992313.1).
Genomic context (GRCh38, chr16:48,088,675, plus strand): 5'-AAGGGGGGTGTTGTCTCTGTATCTCATCTGATAGTCTCTGAAGGTGATCTCCCCACGGCT[G>A]GGCCAGTCCTTGGGACAGGTCCCCACTTTGAGGGGATGAGTGCATTCAGGAACACAGGTC-3'
Protein context (NP_001380726.1, residues 1105-1125): LKVGTCPKDW[Pro1115=]SRGEITFRDY

ClinVar aggregate classification (germline): Likely benign (1 of 4 stars; one submission).

Conditions:
ABCC12-related condition.

gnomAD v4.1: 1 of 1,613,996 alleles (0.000062%); highest among the groups gnomAD compares: African/African-American, 0.0013%; no homozygotes.

Submission:

PreventionGenetics, part of Exact Sciences
Classification: Likely benign for ABCC12-related condition. Last evaluated: 2025-12-30. Review status: criteria provided, single submitter. Criteria: ACMG Guidelines, 2015. Collection method: clinical testing. Allele origin: germline.
Comment: This variant is classified as likely benign based on ACMG/AMP sequence variant interpretation guidelines (Richards et al. 2015 PMID: 25741868, with internal and published modifications).